The following is an entry in ClinVar:

ClinVar aggregate classification (germline): Uncertain significance (1 of 4 stars; one submission).

Conditions:
Glycogen storage disease, type II (IOPD). Also called: CARDIOMEGALIA GLYCOGENICA DIFFUSA; GLYCOGENOSIS, GENERALIZED, CARDIAC FORM; GSD II; Glycogen storage disease type 2; Acid maltase deficiency disease; Aglucosidase alfa. Identifiers: Orphanet 365, MedGen C0017921, MONDO:0009290, OMIM 232300.

Submission:

Labcorp Genetics (formerly Invitae), Labcorp
Classification: Uncertain significance for Glycogen storage disease, type II. Last evaluated: 2025-06-16. Review status: criteria provided, single submitter. Criteria: Invitae Variant Classification Sherloc (09022015). Collection method: clinical testing. Allele origin: germline.
Comment: This sequence change falls in intron 4 of the GAA gene. It does not directly change the encoded amino acid sequence of the GAA protein. This variant is not present in population databases (gnomAD no frequency). This variant has not been reported in the literature in individuals affected with GAA-related conditions. Algorithms developed to predict the effect of sequence changes on RNA splicing suggest that this variant may disrupt the consensus splice site. In summary, the available evidence is currently insufficient to determine the role of this variant in disease. Therefore, it has been classified as a Variant of Uncertain Significance.

NM_000152.5(GAA):c.858+20G>A

Gene: GAA (alpha glucosidase; plus strand). Cytogenetic location: 17q25.3.
Variant type: single nucleotide variant.
Coding change: c.858+20G>A on transcript NM_000152.5 (MANE Select); 20 bases into the intron after coding-DNA position 858, G replaced by A.
Molecular consequence: intron variant.
Genome position (GRCh38, 1-based): chr17:80,107,742, G>A. VCF-style: chr17-80107742-G-A. GRCh37 (hg19) VCF-style: chr17-78081541-G-A.
Other names: c.858+20G>A (NM_001406741.1, NM_001406742.1, NM_001079803.3 and 1 more transcripts).
Identifiers: ClinVar variation 4772517 (VCV004772517.1).